The following is an entry in ClinVar:

ClinVar aggregate classification (germline): Uncertain significance (1 of 4 stars; one submission).

Allele frequency attached by ClinVar (database versions not stated): gnomAD exomes 0.00001.
gnomAD v4.1: 12 of 1,612,758 alleles (0.00074%); highest among the groups gnomAD compares: Non-Finnish European, 0.001%; no homozygotes.

Submission:

Labcorp Genetics (formerly Invitae), Labcorp
Classification: Uncertain significance. Last evaluated: 2023-10-08. Review status: criteria provided, single submitter. Criteria: Invitae Variant Classification Sherloc (09022015). Collection method: clinical testing. Allele origin: germline.
Comment: This sequence change replaces tyrosine, which is neutral and polar, with cysteine, which is neutral and slightly polar, at codon 1248 of the ANKRD26 protein (p.Tyr1248Cys). This variant is not present in population databases (gnomAD no frequency). This variant has not been reported in the literature in individuals affected with ANKRD26-related conditions. Algorithms developed to predict the effect of missense changes on protein structure and function output the following: SIFT: "Not Available"; PolyPhen-2: "Possibly Damaging"; Align-GVGD: "Not Available". The cysteine amino acid residue is found in multiple mammalian species, which suggests that this missense change does not adversely affect protein function. In summary, the available evidence is currently insufficient to determine the role of this variant in disease. Therefore, it has been classified as a Variant of Uncertain Significance.

NM_014915.3(ANKRD26):c.3743A>G (p.Tyr1248Cys)

Gene: ANKRD26 (ankyrin repeat domain 26; minus strand). Cytogenetic location: 10p12.1.
Variant type: single nucleotide variant.
Coding change: c.3743A>G on transcript NM_014915.3 (MANE Select); coding-DNA position 3743, A replaced by G.
Protein change: p.Tyr1248Cys; replaces tyrosine 1248 with cysteine.
Molecular consequence: missense variant.
Genome position (GRCh38, 1-based): chr10:27,033,289, T>C on the plus strand (A>G on the coding strand, the complement: ANKRD26 is on the minus strand). VCF-style: chr10-27033289-T-C. GRCh37 (hg19) VCF-style: chr10-27322218-T-C.
Other names: c.3740A>G, p.Tyr1247Cys (NM_001256053.2); short protein forms Y1247C, Y1248C.
Identifiers: ClinVar variation 2838519 (VCV002838519.3), dbSNP rs2538740490, ClinGen allele CA376361033.